The following is an entry in ClinVar:

NM_015340.4(LARS2):c.2420C>T (p.Pro807Leu)

Gene: LARS2 (leucyl-tRNA synthetase 2, mitochondrial; plus strand). Cytogenetic location: 3p21.31.
Variant type: single nucleotide variant.
Coding change: c.2420C>T on transcript NM_015340.4 (MANE Select); coding-DNA position 2420, C replaced by T.
Protein change: p.Pro807Leu; replaces proline 807 with leucine.
Molecular consequence: missense variant.
Genome position (GRCh38, 1-based): chr3:45,541,844, C>T. VCF-style: chr3-45541844-C-T. GRCh37 (hg19) VCF-style: chr3-45583336-C-T.
Other names: c.2420C>T (NM_015340.3); c.2420C>T, p.Pro807Leu (NM_001368263.1); short protein forms P807L.
Identifiers: ClinVar variation 501012 (VCV000501012.8), dbSNP rs765634048, ClinGen allele CA73597771.

ClinVar aggregate classification (germline): Uncertain significance. Review status: criteria provided, multiple submitters, no conflicts (2 of 4 stars). 3 submissions from 3 submitters: Uncertain significance (3). Last evaluated 2026-08-09.

Conditions:
LARS2-related disorder. Also called: LARS2-related condition.
Inborn genetic diseases. Identifiers: MedGen C0950123, MeSH D030342.

Allele frequency attached by ClinVar (database versions not stated): TOPMed 0.00002; gnomAD 0.00003.
gnomAD v4.1: 10 of 1,614,036 alleles (0.00062%); highest among the groups gnomAD compares: African/African-American, 0.0093%; no homozygotes.

Submissions (3):

PreventionGenetics, part of Exact Sciences
Classification: Uncertain significance for LARS2-related condition. Last evaluated: 2026-08-09. Review status: criteria provided, single submitter. Criteria: ACMG Guidelines, 2015. Collection method: clinical testing. Allele origin: germline.
Comment: The LARS2 c.2420C>T variant is predicted to result in the amino acid substitution p.Pro807Leu. To our knowledge, this variant has not been reported in the literature. This variant is reported in 0.0080% of alleles in individuals of African descent in gnomAD. At this time, the clinical significance of this variant is uncertain due to the absence of conclusive functional and genetic evidence.

Ambry Genetics
Classification: Uncertain significance for Inborn genetic diseases. Last evaluated: 2023-08-15. Review status: criteria provided, single submitter. Criteria: Ambry Variant Classification Scheme 2023. Collection method: clinical testing. Allele origin: germline.

Eurofins Ntd Llc (ga)
Classification: Uncertain significance. Last evaluated: 2017-03-27. Review status: criteria provided, single submitter. Criteria: EGL Classification Definitions 2015. Collection method: clinical testing. Allele origin: germline. Observed: 2 variant alleles, 2 heterozygotes.